The following is an entry in ClinVar:

ClinVar aggregate classification (germline): Pathogenic (1 of 4 stars; one submission).

Conditions:
Joubert syndrome and related disorders. Identifiers: Orphanet 140874, MedGen C5679612, MONDO:0015369.

Submission:

Myriad Genetics, Inc.
Classification: Pathogenic for Joubert syndrome and related disorders. Last evaluated: 2026-01-22. Review status: criteria provided, single submitter. Criteria: Myriad Autosomal Dominant, Autosomal Recessive and X-Linked Classification Criteria (2023). Collection method: clinical testing. Allele origin: unknown.
Comment: NM_001080522.2(CC2D2A):c.3755_3756delAG(E1252Vfs*7) is expected to be pathogenic in the context of CC2D2A-related disorders. This variant is predicted to lead to an abnormal or absent protein product due to the creation of a premature termination codon in CC2D2A, a gene where loss-of-function variants are known to be pathogenic. Please note: this variant was assessed in the context of healthy population screening.

NM_001378615.1(CC2D2A):c.3755_3756del (p.Glu1252fs)

Genes: CC2D2A (coiled-coil and C2 domain containing 2A; plus strand), FBXL5 (F-box and leucine rich repeat protein 5; minus strand). Cytogenetic location: 4p15.32.
Variant type: Microsatellite.
Coding change: c.3755_3756del on transcript NM_001378615.1 (MANE Select); coding-DNA positions 3755 to 3756, 2 bases deleted (AG; older notation c.3755_3756delAG).
Protein change: p.Glu1252fs; shifts the reading frame from glutamic acid 1252.
Molecular consequence: frameshift variant.
Genome position (GRCh38, 1-based): chr4:15,574,310-15,574,311, AG deleted; deleting any 2 consecutive bases within chr4:15,574,307-15,574,311 gives the same sequence; the c. name uses the placement nearest the transcript's 3' end. VCF-style (leftmost placement, unchanged base first): chr4-15574306-GGA-G. GRCh37 (hg19) VCF-style: chr4-15575929-GGA-G.
Other names: c.3755_3756del, p.Glu1252fs (NM_001080522.2); c.3608_3609del, p.Glu1203fs (NM_001378617.1); short protein forms E1203fs, E1252fs.
Identifiers: ClinVar variation 5015466 (VCV005015466.1).